The following is an entry in ClinVar:

NM_002691.4(POLD1):c.1186dup (p.Tyr396fs)

Gene: POLD1 (DNA polymerase delta 1, catalytic subunit; plus strand). Cytogenetic location: 19q13.33.
Variant type: Duplication.
Coding change: c.1186dup on transcript NM_002691.4 (MANE Select); coding-DNA position 1186, one base duplicated (T; older notation c.1186dupT).
Protein change: p.Tyr396fs; shifts the reading frame from tyrosine 396.
Molecular consequence: frameshift variant. On other transcripts: non-coding transcript variant (1).
Genome position (GRCh38, 1-based): chr19:50,403,541, T duplicated; the last of 2 consecutive T bases (chr19:50,403,540-50,403,541); duplicating either gives the same sequence. VCF-style (leftmost placement, unchanged base first): chr19-50403539-G-GT. GRCh37 (hg19) VCF-style: chr19-50906796-G-GT.
Other names: c.1186dupT (NM_002691.3); c.1186dup, p.Tyr396fs (NM_001256849.1, NM_001308632.1); short protein forms Y396fs.
Identifiers: ClinVar variation 545761 (VCV000545761.14), dbSNP rs1414945254, ClinGen allele CA633897678.

ClinVar aggregate classification (germline): Uncertain significance. Review status: criteria provided, multiple submitters, no conflicts (2 of 4 stars). 3 submissions from 3 submitters: Uncertain significance (3). Last evaluated 2025-06-06.

Conditions:
Hereditary cancer-predisposing syndrome. Also called: Tumor predisposition; Neoplastic Syndromes, Hereditary; Hereditary Cancer Syndrome; Hereditary neoplastic syndrome. Identifiers: Orphanet 140162, MedGen C0027672, MeSH D009386, MONDO:0015356.
POLD1-related polyposis and colorectal cancer syndrome (CRCS10). Also called: Colorectal cancer 10; COLORECTAL CANCER, SUSCEPTIBILITY TO, ON CHROMOSOME 19q; Colorectal cancer, susceptibility to, 10. Identifiers: Orphanet 220460, MedGen C2675481, MONDO:0012953, OMIM 612591.

Submissions (3):

Ambry Genetics
Classification: Uncertain significance for Hereditary cancer-predisposing syndrome. Last evaluated: 2025-06-06. Review status: criteria provided, single submitter. Criteria: Ambry Variant Classification Scheme 2023. Collection method: clinical testing. Allele origin: germline.
Comment: The c.1186dupT variant, located in coding exon 9 of the POLD1 gene, results from a duplication of T at nucleotide position 1186, causing a translational frameshift with a predicted alternate stop codon (p.Y396Lfs*239). This alteration is expected to result in protein truncation or nonsense-mediated mRNA decay. However, loss of function of POLD1 has not been established as a mechanism of disease. Based on the available evidence, the clinical significance of this alteration remains unclear.

Labcorp Genetics (formerly Invitae), Labcorp
Classification: Uncertain significance for POLD1-related polyposis and colorectal cancer syndrome. Last evaluated: 2020-02-24. Review status: criteria provided, single submitter. Criteria: Invitae Variant Classification Sherloc (09022015). Collection method: clinical testing. Allele origin: germline.
Comment: This variant has not been reported in the literature in individuals with POLD1-related conditions. ClinVar contains an entry for this variant (Variation ID: 545761). This sequence change creates a premature translational stop signal (p.Tyr396Leufs*239) in the POLD1 gene. It is expected to result in an absent or disrupted protein product. This variant is not present in population databases (ExAC no frequency). Missense variants that disrupt the 3'-5' exonuclease (proof-reading) activity of the POLD1 protein, while not abolishing its polymerase enzyme activity, are associated with an increased risk for colonic adenomatous polyps and colon cancer (PMID: 23263490, 23447401). Loss-of-function variants, which result in an absent or severely disrupted POLD1 protein, are therefore unlikely to be associated with disease. Without further clinical and genetic evidence, however, this variant has been classified as a Variant of Uncertain Significance.

GeneDx
Classification: Uncertain significance. Last evaluated: 2018-12-04. Review status: criteria provided, single submitter. Criteria: GeneDx Variant Classification (06012015). Collection method: clinical testing. Allele origin: germline. Affected: yes.
Comment: This duplication of one nucleotide in POLD1 is denoted c.1186dupT at the cDNA level and p.Tyr396LeufsX239 (Y396LfsX239) at the protein level. The normal sequence, with the base that is duplicated in brackets, is CGGT[dupT]ACAA. The duplication causes a frameshift which changes a Tyrosine to a Leucine at codon 396, and creates a premature stop codon at position 239 of the new reading frame. Although this variant has not, to our knowledge, been reported in the literature, it is predicted to cause loss of normal protein function through either protein truncation or nonsense-mediated mRNA decay. However, while some missense variants in POLD1 have been recognized as an underlying cause of Polymerase Proofreading-Associated Polyposis (PPAP), there are no data at this time to support that loss-of-function variants confer the same cancer risks. We therefore consider this variant to be of uncertain significance with respect to cancer.

Literature cited by the submitters: PubMed 23263490 (cited by Labcorp Genetics (formerly Invitae), Labcorp); PubMed 23447401 (cited by Labcorp Genetics (formerly Invitae), Labcorp).